The following is an entry in ClinVar:

ClinVar aggregate classification (germline): Benign (3 of 4 stars; one submission).

Conditions:
Breast-ovarian cancer, familial, susceptibility to, 2 (BROVCA2). Also called: BRCA2 Hereditary Breast and Ovarian Cancer. Identifiers: Orphanet 145, MedGen C2675520, MONDO:0012933, OMIM 612555. Disease mechanism: loss of function.

Allele frequency attached by ClinVar (database versions not stated): TOPMed 0.00836; gnomAD 0.00838; 1000 Genomes Project 0.00958; 1000 Genomes Project 30x 0.00984.
gnomAD v4.1: 1,186 of 152,274 alleles (0.78%); highest among the groups gnomAD compares: African/African-American, 2.7%; 15 homozygotes.

Submission:

Evidence-based Network for the Interpretation of Germline Mutant Alleles (ENIGMA)
Classification: Benign for Breast-ovarian cancer, familial 2. Last evaluated: 2015-01-12. Review status: reviewed by expert panel. Criteria: ENIGMA BRCA1/2 Classification Criteria (2015). Collection method: curation. Allele origin: germline.
Comment: Class 1 not pathogenic based on frequency >1% in an outbred sampleset. Frequency 0.02033 (African), derived from 1000 genomes (2012-04-30).

NM_000059.4(BRCA2):c.681+670A>G

Gene: BRCA2 (BRCA2 DNA repair associated; plus strand). Cytogenetic location: 13q13.1.
Variant type: single nucleotide variant.
Coding change: c.681+670A>G on transcript NM_000059.4 (MANE Select); 670 bases into the intron after coding-DNA position 681, A replaced by G.
Molecular consequence: intron variant.
Genome position (GRCh38, 1-based): chr13:32,330,162, A>G. VCF-style: chr13-32330162-A-G. GRCh37 (hg19) VCF-style: chr13-32904299-A-G.
Other names: IVS 8+670A>G.
Identifiers: ClinVar variation 209666 (VCV000209666.1), dbSNP rs11571631, ClinGen allele CA276635.